The following is an entry in ClinVar:

NM_001080414.4(CCDC88C):c.856C>T (p.Gln286Ter)

Gene: CCDC88C (coiled-coil and HOOK domain protein 88C; minus strand). Cytogenetic location: 14q32.11.
Variant type: single nucleotide variant.
Coding change: c.856C>T on transcript NM_001080414.4 (MANE Select); coding-DNA position 856, C replaced by T.
Protein change: p.Gln286Ter; replaces glutamine 286 with a stop codon.
Molecular consequence: nonsense. On other transcripts: non-coding transcript variant (2).
Genome position (GRCh38, 1-based): chr14:91,338,524, G>A on the plus strand (C>T on the coding strand, the complement: CCDC88C is on the minus strand). VCF-style: chr14-91338524-G-A. GRCh37 (hg19) VCF-style: chr14-91804868-G-A.
Other names: short protein forms Q286*.
Identifiers: ClinVar variation 5014669 (VCV005014669.1).

ClinVar aggregate classification (germline): Pathogenic (1 of 4 stars; one submission).

Conditions:
Hydrocephalus, nonsyndromic, autosomal recessive 1 (HYC1). Also called: Hydrocephalus, nonsyndromic, autosomal recessive; Congenital hydrocephalus 1. Identifiers: Orphanet 2185, MedGen C3887608, MONDO:0009360, OMIM 236600.

gnomAD v4.1: 1 of 1,572,324 alleles (0.000064%); highest among the groups gnomAD compares: Non-Finnish European, 0.000086%; no homozygotes.

Submission:

Myriad Genetics, Inc.
Classification: Pathogenic for Hydrocephalus, nonsyndromic, autosomal recessive 1. Last evaluated: 2025-07-01. Review status: criteria provided, single submitter. Criteria: Myriad Autosomal Dominant, Autosomal Recessive and X-Linked Classification Criteria (2023). Collection method: clinical testing. Allele origin: unknown.
Comment: NM_001080414.3(CCDC88C):c.856C>T(Q286*) is expected to be pathogenic in the context of congenital hydrocephalus, CCDC88C-related. This variant is predicted to lead to an abnormal or absent protein product due to the creation of a premature termination codon in CCDC88C, a gene where loss-of-function variants are known to be pathogenic. Please note: this variant was assessed in the context of healthy population screening.